The following is an entry in ClinVar:

NM_003482.4(KMT2D):c.6901C>T (p.Pro2301Ser)

Gene: KMT2D (lysine methyltransferase 2D; minus strand). Cytogenetic location: 12q13.12.
Variant type: single nucleotide variant.
Coding change: c.6901C>T on transcript NM_003482.4 (MANE Select); coding-DNA position 6901, C replaced by T.
Protein change: p.Pro2301Ser; replaces proline 2301 with serine.
Molecular consequence: missense variant.
Genome position (GRCh38, 1-based): chr12:49,040,869, G>A on the plus strand (C>T on the coding strand, the complement: KMT2D is on the minus strand). VCF-style: chr12-49040869-G-A. GRCh37 (hg19) VCF-style: chr12-49434652-G-A.
Other names: short protein forms P2301S.
Identifiers: ClinVar variation 134691 (VCV000134691.15), dbSNP rs200681496, ClinGen allele CA160549.

ClinVar aggregate classification (germline): Likely benign. Review status: criteria provided, multiple submitters, no conflicts (2 of 4 stars). 4 submissions from 4 submitters: Likely benign (2). 2 of the submissions do not count toward it. Last evaluated 2025-11-03.

Conditions:
KMT2D-related disorder. Also called: KMT2D-Related Disorders.
Kabuki syndrome. Also called: NIIKAWA-KUROKI SYNDROME; Kabuki make-up syndrome. Identifiers: Orphanet 2322, MedGen C0796004, MONDO:0016512.

Allele frequency attached by ClinVar (database versions not stated): gnomAD 0.00017; TOPMed 0.00025; ESP Exome Variant Server 0.00050; ExAC 0.00006; gnomAD exomes 0.00006.
gnomAD v4.1: 117 of 1,613,786 alleles (0.0073%); highest among the groups gnomAD compares: African/African-American, 0.056%; no homozygotes.

Submissions (4):

Labcorp Genetics (formerly Invitae), Labcorp
Classification: Likely benign for Kabuki syndrome. Last evaluated: 2025-11-03. Review status: criteria provided, single submitter. Criteria: Invitae Variant Classification Sherloc (09022015). Collection method: clinical testing. Allele origin: germline.

GeneDx
Classification: Likely benign. Last evaluated: 2021-05-13. Review status: criteria provided, single submitter. Criteria: GeneDx Variant Classification Process June 2021. Collection method: clinical testing. Allele origin: germline. Affected: yes.

PreventionGenetics, part of Exact Sciences
Classification: Likely benign for KMT2D-related condition. Last evaluated: 2023-12-26. Review status: no assertion criteria provided. Collection method: clinical testing. Allele origin: germline. Not counted in ClinVar's aggregate classification.
Comment: This variant is classified as likely benign based on ACMG/AMP sequence variant interpretation guidelines (Richards et al. 2015 PMID: 25741868, with internal and published modifications).

ITMI
No classification provided. Condition: AllHighlyPenetrant. Last evaluated: 2013-09-19. Review status: no classification provided. Collection method: reference population. Allele origin: germline. Not counted in ClinVar's aggregate classification.
Comment: Please see associated publication for description of ethnicities

Literature cited by the submitters: PubMed 24728327 (cited by ITMI).